The following is an entry in ClinVar:

ClinVar aggregate classification (somatic clinical impact): Tier II - Potential (1 of 4 stars; one submission).

Conditions:
Medulloblastoma WNT activated. Identifiers: MedGen C4331965, MONDO:0850196.

Submission:

Institute for Genomic Medicine (IGM) Clinical Laboratory, Nationwide Children's Hospital
Classification: Tier II - Potential for Medulloblastoma WNT activated. Assertion type: diagnostic. Clinical significance: supports diagnosis. Last evaluated: 2025-10-29. Review status: criteria provided, single submitter. Criteria: AMP/ASCO/CAP Guidelines, 2017. Collection method: clinical testing. Allele origin: somatic. Affected: yes.
Comment: Variant has Tier II (potential) clinical significance as a diagnostic inclusion criterion in medulloblastoma WNT activated, based on the following evidence: 1) Documented in one or more cancer databases (e.g., St. Jude Pecan, COSMIC, CIViC, OncoKB). 2) Assists in diagnosis alone or along with other biomarkers based on small studies or few case reports (Evidence Level D; PMIDs: 25006131, 34157074, 35287703).

Literature cited by the submitters: PubMed 25006131; PubMed 34157074; PubMed 35287703.

NM_006265.3(RAD21):c.49del (p.Ile17fs)

Gene: RAD21 (RAD21 cohesin complex component; minus strand). Cytogenetic location: 8q24.11.
Variant type: Deletion.
Coding change: c.49del on transcript NM_006265.3 (MANE Select); coding-DNA position 49, one base deleted (A; older notation c.49delA).
Protein change: p.Ile17fs; shifts the reading frame from isoleucine 17.
Molecular consequence: frameshift variant.
Genome position (GRCh38, 1-based): chr8:116,866,681, T deleted on the plus strand (A on the coding strand, the reverse complement: RAD21 is on the minus strand); the first of 4 consecutive T bases (chr8:116,866,681-116,866,684); deleting any one gives the same sequence. VCF-style (leftmost placement, unchanged base first): chr8-116866680-AT-A. GRCh37 (hg19) VCF-style: chr8-117878919-AT-A.
Other names: short protein forms I17fs.
Identifiers: ClinVar variation 4530316 (VCV004530316.1).